The following is an entry in ClinVar:

NM_001165963.4(SCN1A):c.5321T>C (p.Phe1774Ser)

Genes: SCN1A (sodium voltage-gated channel alpha subunit 1; minus strand), LOC102724058 (uncharacterized LOC102724058; plus strand). Cytogenetic location: 2q24.3.
Variant type: single nucleotide variant.
Coding change: c.5321T>C on transcript NM_001165963.4 (MANE Select); coding-DNA position 5321, T replaced by C.
Protein change: p.Phe1774Ser; replaces phenylalanine 1774 with serine.
Molecular consequence: missense variant. On other transcripts: non-coding transcript variant (1).
Genome position (GRCh38, 1-based): chr2:165,991,954, A>G on the plus strand (T>C on the coding strand, the complement: SCN1A is on the minus strand). VCF-style: chr2-165991954-A-G. GRCh37 (hg19) VCF-style: chr2-166848464-A-G.
Other names: c.5237T>C, p.Phe1746Ser (NM_001353958.2, NM_001165964.3, NM_001353957.2); c.5234T>C, p.Phe1745Ser (NM_001353960.2); c.2879T>C, p.Phe960Ser (NM_001353961.2); c.5288T>C, p.Phe1763Ser (NM_006920.6, NM_001353949.2, NM_001353950.2 and 2 more transcripts); c.5321T>C, p.Phe1774Ser (NM_001202435.3, NM_001353948.2); c.5285T>C, p.Phe1762Ser (NM_001353954.2, NM_001353955.2); short protein forms F1745S, F960S, F1762S, F1774S, F1746S, F1763S.
Identifiers: ClinVar variation 2910146 (VCV002910146.3), dbSNP rs2468333652, ClinGen allele CA349068170.

ClinVar aggregate classification (germline): Pathogenic (1 of 4 stars; one submission).

Conditions:
Early-infantile DEE. Also called: Early infantile epileptic encephalopathy; Ohtahara syndrome; Early infantile epileptic encephalopathy with suppression bursts. Identifiers: Orphanet 1934, MedGen C0393706, MONDO:0800491.

Submission:

Labcorp Genetics (formerly Invitae), Labcorp
Classification: Pathogenic for Early-infantile DEE. Last evaluated: 2025-01-02. Review status: criteria provided, single submitter. Criteria: Invitae Variant Classification Sherloc (09022015). Collection method: clinical testing. Allele origin: germline.
Comment: This sequence change replaces phenylalanine, which is neutral and non-polar, with serine, which is neutral and polar, at codon 1774 of the SCN1A protein (p.Phe1774Ser). This variant is not present in population databases (gnomAD no frequency). This missense change has been observed in individual(s) with autosomal dominant hemiplegic migraine (PMID: 27155821). In at least one individual the variant was observed to be de novo. ClinVar contains an entry for this variant (Variation ID: 2910146). Invitae Evidence Modeling of protein sequence and biophysical properties (such as structural, functional, and spatial information, amino acid conservation, physicochemical variation, residue mobility, and thermodynamic stability) indicates that this missense variant is expected to disrupt SCN1A protein function with a positive predictive value of 95%. Experimental studies have shown that this missense change affects SCN1A function (PMID: 29986598). For these reasons, this variant has been classified as Pathogenic.

Literature cited by the submitters: PubMed 27155821; PubMed 29986598.